The following is an entry in ClinVar:

ClinVar aggregate classification (germline): Benign. Review status: criteria provided, multiple submitters, no conflicts (2 of 4 stars). 7 submissions from 7 submitters: Benign (7). Last evaluated 2026-02-03.

Conditions:
Coxopodopatellar syndrome. Also called: ISCHIOPATELLAR DYSPLASIA; Congenital coxa vara, patella aplasia and tarsal synostosis; SCOTT-TAOR SYNDROME; PATELLA APLASIA, COXA VARA, AND TARSAL SYNOSTOSIS; ISCHIOCOXOPODOPATELLAR SYNDROME; ISCHIOCOXOPODOPATELLAR SYNDROME WITH OR WITHOUT PULMONARY ARTERIAL HYPERTENSION. Identifiers: Orphanet 1509, MedGen C1840061, MONDO:0007841, OMIM 147891.

Allele frequency attached by ClinVar (database versions not stated): 1000 Genomes Project 30x 0.10244; 1000 Genomes Project 0.10403; gnomAD exomes 0.11307 and 0.13047; ExAC 0.11786; TOPMed 0.12327; gnomAD 0.12783 and 0.12999; ESP Exome Variant Server 0.13494.
gnomAD v4.1: 209,064 of 1,610,470 alleles (13%); highest among the groups gnomAD compares: Non-Finnish European, 14%; 14,077 homozygotes.

Submissions (7):

Labcorp Genetics (formerly Invitae), Labcorp
Classification: Benign. Last evaluated: 2026-02-03. Review status: criteria provided, single submitter. Criteria: Invitae Variant Classification Sherloc (09022015). Collection method: clinical testing. Allele origin: germline.

Blueprint Genetics
Classification: Benign. Last evaluated: 2024-11-28. Review status: criteria provided, single submitter. Criteria: ACMG Guidelines, 2015. Collection method: clinical testing. Allele origin: germline.

GeneDx
Classification: Benign. Last evaluated: 2018-10-04. Review status: criteria provided, single submitter. Criteria: GeneDx Variant Classification Process June 2021. Collection method: clinical testing. Allele origin: germline. Affected: yes.

Illumina Laboratory Services, Illumina
Classification: Benign for Coxopodopatellar syndrome. Last evaluated: 2018-01-12. Review status: criteria provided, single submitter. Criteria: ICSL Variant Classification Criteria 13 December 2019. Collection method: clinical testing. Allele origin: germline.
Comment: This variant was observed in the ICSL laboratory as part of a predisposition screen in an ostensibly healthy population. It had not been previously curated by ICSL or reported in the Human Gene Mutation Database (HGMD: prior to June 1st, 2018), and was therefore a candidate for classification through an automated scoring system. Utilizing variant allele frequency, disease prevalence and penetrance estimates, and inheritance mode, an automated score was calculated to assess if this variant is too frequent to cause the disease. Based on the score and internal cut-off values, a variant classified as benign is not then subjected to further curation. The score for this variant resulted in a classification of benign for this disease.

Laboratory for Molecular Medicine, Mass General Brigham Personalized Medicine
Classification: Benign. Last evaluated: 2016-03-29. Review status: criteria provided, single submitter. Criteria: LMM Criteria. Collection method: clinical testing. Allele origin: germline.
Comment: Variant identified in a genome or exome case(s) and assessed due to predicted null impact of the variant or pathogenic assertions in the literature or databases. Disclaimer: This variant has not undergone full assessment. The following are preliminary notes: MAF

Breakthrough Genomics
Classification: Benign. Review status: criteria provided, single submitter. Criteria: ACMG Guidelines, 2015. Collection method: not provided. Allele origin: germline. Inheritance: Autosomal recessive inheritance. Affected: yes.

PreventionGenetics, part of Exact Sciences
Classification: Benign. Review status: criteria provided, single submitter. Criteria: ACMG Guidelines, 2015. Collection method: clinical testing. Allele origin: germline.

NM_001321120.2(TBX4):c.1449C>T (p.Val483=)

Gene: TBX4 (T-box transcription factor 4; plus strand). Cytogenetic location: 17q23.2.
Variant type: single nucleotide variant.
Coding change: c.1449C>T on transcript NM_001321120.2 (MANE Select); coding-DNA position 1449, C replaced by T.
Protein change: p.Val483=; no amino-acid change (valine 483 retained).
Molecular consequence: synonymous variant.
Genome position (GRCh38, 1-based): chr17:61,483,324, C>T. VCF-style: chr17-61483324-C-T. GRCh37 (hg19) VCF-style: chr17-59560685-C-T.
Other names: c.1446C>T, p.Val482= (NM_018488.3).
Identifiers: ClinVar variation 261033 (VCV000261033.19), dbSNP rs2270150, ClinGen allele CA8690094.